The following is an entry in ClinVar:

NM_001605.3(AARS1):c.2401-1G>A

Gene: AARS1 (alanyl-tRNA synthetase 1; minus strand). Cytogenetic location: 16q22.1.
Variant type: single nucleotide variant.
Coding change: c.2401-1G>A on transcript NM_001605.3 (MANE Select); the canonical splice acceptor site of the intron before coding-DNA position 2401, G replaced by A.
Molecular consequence: splice acceptor variant.
Genome position (GRCh38, 1-based): chr16:70,254,039, C>T on the plus strand (G>A on the coding strand, the complement: AARS1 is on the minus strand). VCF-style: chr16-70254039-C-T. GRCh37 (hg19) VCF-style: chr16-70287942-C-T.
Identifiers: ClinVar variation 3349842 (VCV003349842.1).

ClinVar aggregate classification (germline): Uncertain significance (0 of 4 stars; one submission).

Conditions:
AARS1-related disorder. Also called: AARS1-related condition.

Submission:

PreventionGenetics, part of Exact Sciences
Classification: Uncertain significance for AARS1-related condition. Last evaluated: 2024-08-06. Review status: no assertion criteria provided. Collection method: clinical testing. Allele origin: germline.
Comment: The AARS1 c.2401-1G>A variant is predicted to disrupt the AG splice acceptor site and interfere with normal splicing. To our knowledge, this variant has not been reported in the literature or in a large population database, indicating this variant is rare. Variants that disrupt the consensus splice acceptor site in AARS1 are expected to be pathogenic. This variant is interpreted as likely pathogenic.